The following is an entry in ClinVar:

NM_015378.4(VPS13D):c.1390C>T (p.Gln464Ter)

Gene: VPS13D (vacuolar protein sorting 13 homolog D; plus strand). Cytogenetic location: 1p36.22.
Variant type: single nucleotide variant.
Coding change: c.1390C>T on transcript NM_015378.4 (MANE Select); coding-DNA position 1390, C replaced by T.
Protein change: p.Gln464Ter; replaces glutamine 464 with a stop codon.
Molecular consequence: nonsense.
Genome position (GRCh38, 1-based): chr1:12,261,125, C>T. VCF-style: chr1-12261125-C-T. GRCh37 (hg19) VCF-style: chr1-12321182-C-T.
Other names: c.1390C>T, p.Gln464Ter (NM_018156.4); short protein forms Q464*.
Identifiers: ClinVar variation 3655596 (VCV003655596.2).

ClinVar aggregate classification (germline): Pathogenic (1 of 4 stars; one submission).

Submission:

Labcorp Genetics (formerly Invitae), Labcorp
Classification: Pathogenic. Last evaluated: 2024-06-10. Review status: criteria provided, single submitter. Criteria: Invitae Variant Classification Sherloc (09022015). Collection method: clinical testing. Allele origin: germline.
Comment: This sequence change creates a premature translational stop signal (p.Gln464*) in the VPS13D gene. It is expected to result in an absent or disrupted protein product. Loss-of-function variants in VPS13D are known to be pathogenic (PMID: 29518281). This variant is not present in population databases (gnomAD no frequency). This variant has not been reported in the literature in individuals affected with VPS13D-related conditions. Algorithms developed to predict the effect of sequence changes on RNA splicing suggest that this variant may disrupt the consensus splice site. For these reasons, this variant has been classified as Pathogenic.

Literature cited by the submitters: PubMed 29518281.